The following is an entry in ClinVar:

ClinVar aggregate classification (germline): Conflicting classifications of pathogenicity. Review status: criteria provided, conflicting classifications (1 of 4 stars). 14 submissions from 13 submitters: Uncertain significance (4); Benign (2); Likely benign (6). 2 of the submissions do not count toward it. Last evaluated 2026-05-01.

Conditions:
SH3TC2-related disorder. Also called: SH3TC2-related disorders; SH3TC2-related condition. Identifiers: MedGen CN239303.
Inborn genetic diseases. Identifiers: MedGen C0950123, MeSH D030342.
Charcot-Marie-Tooth disease. Also called: Charcot-Marie-Tooth Hereditary Neuropathy; Charcot-Marie-Tooth Neuropathy. Identifiers: Orphanet 166, MedGen C0007959, MONDO:0015626.
Charcot-Marie-Tooth disease type 4. Also called: Charcot-Marie-Tooth disease, type IV; Charcot-Marie-Tooth, Type 4. Identifiers: Orphanet 64749, MedGen C4082197, MONDO:0018995.
Susceptibility to mononeuropathy of the median nerve, mild. Also called: CARPAL TUNNEL SYNDROME, SUSCEPTIBILITY TO. Identifiers: MedGen C3150596, MONDO:0013237, OMIM 613353.
Charcot-Marie-Tooth disease type 4C (CMT4C). Also called: SH3TC2-Related Hereditary Motor and Sensory Neuropathy; CMT 4C; Charcot-Marie-Tooth Neuropathy Type 4C (CMT4C); CHARCOT-MARIE-TOOTH DISEASE, DEMYELINATING, TYPE 4C; CHARCOT-MARIE-TOOTH DISEASE, DEMYELINATING, AUTOSOMAL RECESSIVE, TYPE 4C. Identifiers: Orphanet 99949, MedGen C1866636, MONDO:0011113, OMIM 601596.

Allele frequency attached by ClinVar (database versions not stated): 1000 Genomes Project 30x 0.00031; 1000 Genomes Project 0.00040; TOPMed 0.00110; gnomAD 0.00129 and 0.00133; ExAC 0.00131; ESP Exome Variant Server 0.00169.
gnomAD v4.1: 2,797 of 1,613,062 alleles (0.17%); highest among the groups gnomAD compares: Non-Finnish European, 0.2%; 9 homozygotes.

Submissions (14):

CeGaT Center for Human Genetics Tuebingen
Classification: Likely benign. Last evaluated: 2026-05-01. Review status: criteria provided, single submitter. Criteria: CeGaT Center For Human Genetics Tuebingen Variant Classification Criteria Version 2. Collection method: clinical testing. Allele origin: germline. Affected: yes. Observed: 4 variant alleles.
Comment: SH3TC2: BP4, BS2

Labcorp Genetics (formerly Invitae), Labcorp
Classification: Benign for Charcot-Marie-Tooth disease type 4. Last evaluated: 2026-01-28. Review status: criteria provided, single submitter. Criteria: Invitae Variant Classification Sherloc (09022015). Collection method: clinical testing. Allele origin: germline.

Women's Health and Genetics/Laboratory Corporation of America, LabCorp
Classification: Uncertain significance. Last evaluated: 2025-12-29. Review status: criteria provided, single submitter. Criteria: LabCorp Variant Classification Summary - May 2015. Collection method: clinical testing. Allele origin: germline.
Comment: Variant summary: SH3TC2 c.79A>G (p.Thr27Ala) results in a non-conservative amino acid change in the encoded protein sequence. Algorithms developed to predict the effect of missense changes on protein structure and function are either unavailable or do not agree on the potential impact of this missense change. The variant allele was found at a frequency of 0.0013 in 251358 control chromosomes in the gnomAD database, including 1 homozygotes. This frequency is not significantly higher than estimated for disease-causing variants in SH3TC2, allowing no conclusion about variant significance. To our knowledge, no occurrence of c.79A>G in individuals affected with SH3TC2-related conditions and no experimental evidence demonstrating its impact on protein function have been reported. ClinVar contains an entry for this variant (Variation ID: 220296). Based on the evidence outlined above, the variant was classified as uncertain significance.

Blueprint Genetics
Classification: Likely benign. Last evaluated: 2024-11-22. Review status: criteria provided, single submitter. Criteria: ACMG Guidelines, 2015. Collection method: clinical testing. Allele origin: germline.

ARUP Laboratories, Molecular Genetics and Genomics, ARUP Laboratories
Classification: Likely benign. Last evaluated: 2024-11-18. Review status: criteria provided, single submitter. Criteria: ARUP Molecular Germline Variant Investigation Process 2024. Collection method: clinical testing. Allele origin: germline.

Mayo Clinic Laboratories, Mayo Clinic
Classification: Likely benign. Last evaluated: 2024-09-09. Review status: criteria provided, single submitter. Criteria: ACMG Guidelines, 2015. Collection method: clinical testing. Allele origin: germline. Observed: 6 variant alleles.
Comment: BS1, BP4

Athena Diagnostics
Classification: Benign. Last evaluated: 2024-07-18. Review status: criteria provided, single submitter. Criteria: Athena Diagnostics Criteria. Collection method: clinical testing. Allele origin: unknown.

Ambry Genetics
Classification: Likely benign for Inborn genetic diseases. Last evaluated: 2024-01-02. Review status: criteria provided, single submitter. Criteria: Ambry Variant Classification Scheme 2023. Collection method: clinical testing. Allele origin: germline.

GeneDx
Classification: Likely benign. Last evaluated: 2021-01-18. Review status: criteria provided, single submitter. Criteria: GeneDx Variant Classification Process June 2021. Collection method: clinical testing. Allele origin: germline. Affected: yes.
Comment: This variant is associated with the following publications: (PMID: 26392352, 21291453, 32376792)

Illumina Laboratory Services, Illumina
Classification: Uncertain significance for Charcot-Marie-Tooth disease type 4C. Last evaluated: 2017-04-27. Review status: criteria provided, single submitter. Criteria: ICSL Variant Classification Criteria 13 December 2019. Collection method: clinical testing. Allele origin: germline.
Comment: This variant was observed as part of a predisposition screen in an ostensibly healthy population. A literature search was performed for the gene, cDNA change, and amino acid change (where applicable). Publications were found based on this search. However, the evidence from the literature, in combination with allele frequency data from public databases where available, was not sufficient to rule this variant in or out of causing disease. Therefore, this variant is classified as a variant of unknown significance.

Illumina Laboratory Services, Illumina
Classification: Uncertain significance for Susceptibility to mononeuropathy of the median nerve, mild. Last evaluated: 2017-04-27. Review status: criteria provided, single submitter. Criteria: ICSL Variant Classification Criteria 13 December 2019. Collection method: clinical testing. Allele origin: germline.

Molecular Genetics Laboratory, London Health Sciences Centre
Classification: Uncertain significance for Charcot-Marie-Tooth disease. Review status: criteria provided, single submitter. Criteria: ACMG Guidelines, 2015. Collection method: clinical testing. Allele origin: germline. Affected: yes.

PreventionGenetics, part of Exact Sciences
Classification: Likely benign for SH3TC2-related condition. Last evaluated: 2024-02-07. Review status: no assertion criteria provided. Collection method: clinical testing. Allele origin: germline. Not counted in ClinVar's aggregate classification.
Comment: This variant is classified as likely benign based on ACMG/AMP sequence variant interpretation guidelines (Richards et al. 2015 PMID: 25741868, with internal and published modifications).

Inherited Neuropathy Consortium
Classification: Uncertain significance for Charcot-Marie-Tooth disease. Review status: no assertion criteria provided. Collection method: literature only. Allele origin: germline. Affected: yes. Not counted in ClinVar's aggregate classification.

Literature cited by the submitters: PubMed 21291453 (cited by 5 submitters); PubMed 26392352 (cited by Mayo Clinic Laboratories, Mayo Clinic and Athena Diagnostics).

NM_024577.4(SH3TC2):c.79A>G (p.Thr27Ala)

Gene: SH3TC2 (SH3 domain and tetratricopeptide repeats 2; minus strand). Cytogenetic location: 5q32.
Variant type: single nucleotide variant.
Coding change: c.79A>G on transcript NM_024577.4 (MANE Select); coding-DNA position 79, A replaced by G.
Protein change: p.Thr27Ala; replaces threonine 27 with alanine.
Molecular consequence: missense variant.
Genome position (GRCh38, 1-based): chr5:149,052,214, T>C on the plus strand (A>G on the coding strand, the complement: SH3TC2 is on the minus strand). VCF-style: chr5-149052214-T-C. GRCh37 (hg19) VCF-style: chr5-148431777-T-C.
Other names: short protein forms T27A.
Identifiers: ClinVar variation 220296 (VCV000220296.57), dbSNP rs141649676, ClinGen allele CA349459.